The following is an entry in ClinVar:

ClinVar aggregate classification (germline): Uncertain significance (1 of 4 stars; one submission).

Allele frequency attached by ClinVar (database versions not stated): gnomAD exomes below 0.00001; TOPMed below 0.00001; gnomAD 0.00001.
gnomAD v4.1: 4 of 1,446,554 alleles (0.00028%); highest among the groups gnomAD compares: Non-Finnish European, 0.00037%; no homozygotes.

Submission:

GeneDx
Classification: Uncertain significance. Last evaluated: 2021-06-08. Review status: criteria provided, single submitter. Criteria: GeneDx Variant Classification Process June 2021. Collection method: clinical testing. Allele origin: germline. Affected: yes.
Comment: Has not been previously published as pathogenic or benign to our knowledge; Not observed at significant frequency in large population cohorts (Lek et al., 2016); In silico analysis supports that this missense variant does not alter protein structure/function; This variant is associated with the following publications: (PMID: 27535533)

NM_001374828.1(ARID1B):c.953G>A (p.Gly318Asp)

Gene: ARID1B (AT-rich interaction domain 1B; plus strand). Cytogenetic location: 6q25.3.
Variant type: single nucleotide variant.
Coding change: c.953G>A on transcript NM_001374828.1 (MANE Select); coding-DNA position 953, G replaced by A.
Protein change: p.Gly318Asp; replaces glycine 318 with aspartic acid.
Molecular consequence: missense variant.
Genome position (GRCh38, 1-based): chr6:156,778,633, G>A. VCF-style: chr6-156778633-G-A. GRCh37 (hg19) VCF-style: chr6-157099767-G-A.
Other names: c.704G>A (NM_020732.3); c.953G>A, p.Gly318Asp (NM_001371656.1, NM_001374820.1, NM_017519.3); short protein forms G318D.
Identifiers: ClinVar variation 1327657 (VCV001327657.2), dbSNP rs1325822808, ClinGen allele CA366382569.